The following is an entry in ClinVar:

ClinVar aggregate classification (germline): Benign/Likely benign. Review status: criteria provided, multiple submitters, no conflicts (2 of 4 stars). 3 submissions from 3 submitters: Benign (1); Likely benign (2). Last evaluated 2025-12-01.

Allele frequency attached by ClinVar (database versions not stated): ExAC 0.00003; gnomAD exomes 0.00004 and 0.00005; TOPMed 0.00008; gnomAD 0.00011.
gnomAD v4.1: 82 of 1,613,652 alleles (0.0051%); highest among the groups gnomAD compares: Non-Finnish European, 0.0068%; no homozygotes.

Submissions (3):

CeGaT Center for Human Genetics Tuebingen
Classification: Likely benign. Last evaluated: 2025-12-01. Review status: criteria provided, single submitter. Criteria: CeGaT Center For Human Genetics Tuebingen Variant Classification Criteria Version 2. Collection method: clinical testing. Allele origin: germline. Affected: yes. Observed: 2 variant alleles.
Comment: RINT1: BP4, BP7

Labcorp Genetics (formerly Invitae), Labcorp
Classification: Likely benign. Last evaluated: 2024-05-29. Review status: criteria provided, single submitter. Criteria: Invitae Variant Classification Sherloc (09022015). Collection method: clinical testing. Allele origin: germline.

Ambry Genetics
Classification: Benign. Last evaluated: 2020-09-28. Review status: criteria provided, single submitter. Criteria: Ambry Variant Classification Scheme 2023. Collection method: clinical testing. Allele origin: germline.

NM_021930.6(RINT1):c.1870T>C (p.Leu624=)

Gene: RINT1 (RAD50 interactor 1; plus strand). Cytogenetic location: 7q22.3.
Variant type: single nucleotide variant.
Coding change: c.1870T>C on transcript NM_021930.6 (MANE Select); coding-DNA position 1870, T replaced by C.
Protein change: p.Leu624=; no amino-acid change (leucine 624 retained).
Molecular consequence: synonymous variant. On other transcripts: non-coding transcript variant (1).
Genome position (GRCh38, 1-based): chr7:105,563,931, T>C. VCF-style: chr7-105563931-T-C. GRCh37 (hg19) VCF-style: chr7-105204378-T-C.
Other names: c.1636T>C, p.Leu546= (NM_001346599.2); c.847T>C, p.Leu283= (NM_001346600.2, NM_001346603.2); c.946T>C, p.Leu316= (NM_001346601.2).
Identifiers: ClinVar variation 700222 (VCV000700222.19), dbSNP rs767354831, ClinGen allele CA4426784.